The following is an entry in ClinVar:

NM_006231.4(POLE):c.4963A>G (p.Ile1655Val)

Gene: POLE (DNA polymerase epsilon, catalytic subunit; minus strand). Cytogenetic location: 12q24.33.
Variant type: single nucleotide variant.
Coding change: c.4963A>G on transcript NM_006231.4 (MANE Select); coding-DNA position 4963, A replaced by G.
Protein change: p.Ile1655Val; replaces isoleucine 1655 with valine.
Molecular consequence: missense variant.
Genome position (GRCh38, 1-based): chr12:132,642,387, T>C on the plus strand (A>G on the coding strand, the complement: POLE is on the minus strand). VCF-style: chr12-132642387-T-C. GRCh37 (hg19) VCF-style: chr12-133218973-T-C.
Other names: c.4963A>G (NM_006231.2); short protein forms I1655V.
Identifiers: ClinVar variation 405864 (VCV000405864.15), dbSNP rs1060500876, ClinGen allele CA16613617.

ClinVar aggregate classification (germline): Conflicting classifications of pathogenicity. Review status: criteria provided, conflicting classifications (1 of 4 stars). 3 submissions from 3 submitters: Uncertain significance (2); Likely benign (1). Last evaluated 2025-08-29.

Conditions:
Hereditary cancer-predisposing syndrome. Also called: Hereditary neoplastic syndrome; Neoplastic Syndromes, Hereditary; Hereditary Cancer Syndrome; Tumor predisposition. Identifiers: Orphanet 140162, MedGen C0027672, MeSH D009386, MONDO:0015356.

Allele frequency attached by ClinVar (database versions not stated): gnomAD exomes below 0.00001; TOPMed below 0.00001.
gnomAD v4.1: 6 of 1,578,176 alleles (0.00038%); highest among the groups gnomAD compares: Non-Finnish European, 0.00043%; no homozygotes.

Submissions (3):

Labcorp Genetics (formerly Invitae), Labcorp
Classification: Uncertain significance. Last evaluated: 2025-08-29. Review status: criteria provided, single submitter. Criteria: Invitae Variant Classification Sherloc (09022015). Collection method: clinical testing. Allele origin: germline.
Comment: This sequence change replaces isoleucine, which is neutral and non-polar, with valine, which is neutral and non-polar, at codon 1655 of the POLE protein (p.Ile1655Val). This variant is not present in population databases (gnomAD no frequency). This variant has not been reported in the literature in individuals affected with POLE-related conditions. ClinVar contains an entry for this variant (Variation ID: 405864). Invitae Evidence Modeling of protein sequence and biophysical properties (such as structural, functional, and spatial information, amino acid conservation, physicochemical variation, residue mobility, and thermodynamic stability) indicates that this missense variant is not expected to disrupt POLE protein function with a negative predictive value of 80%. In summary, the available evidence is currently insufficient to determine the role of this variant in disease. Therefore, it has been classified as a Variant of Uncertain Significance.

Ambry Genetics
Classification: Likely benign for Hereditary cancer-predisposing syndrome. Last evaluated: 2025-01-09. Review status: criteria provided, single submitter. Criteria: Ambry Variant Classification Scheme 2023. Collection method: clinical testing. Allele origin: germline.

GeneDx
Classification: Uncertain significance. Last evaluated: 2024-08-27. Review status: criteria provided, single submitter. Criteria: GeneDx Variant Classification Process June 2021. Collection method: clinical testing. Allele origin: germline.
Comment: Not observed at significant frequency in large population cohorts (gnomAD); In silico analysis indicates that this missense variant does not alter protein structure/function; Has not been previously published as pathogenic or benign to our knowledge